The following is an entry in ClinVar:

ClinVar aggregate classification (germline): Uncertain significance (1 of 4 stars; one submission).

Conditions:
Shprintzen-Goldberg syndrome (SGS). Also called: Marfanoid disorder with craniosynostosis type 1; Marfanoid craniosynostosis syndrome; Shprintzen-Goldberg marfanoid syndrome; SHPRINTZEN-GOLDBERG CRANIOSYNOSTOSIS SYNDROME; CRANIOSYNOSTOSIS WITH ARACHNODACTYLY AND ABDOMINAL HERNIAS. Identifiers: Orphanet 2462, MedGen C1321551, MONDO:0008426, OMIM 182212.

Submission:

Labcorp Genetics (formerly Invitae), Labcorp
Classification: Uncertain significance for Shprintzen-Goldberg syndrome. Last evaluated: 2021-10-09. Review status: criteria provided, single submitter. Criteria: Invitae Variant Classification Sherloc (09022015). Collection method: clinical testing. Allele origin: germline.
Comment: In summary, the available evidence is currently insufficient to determine the role of this variant in disease. Therefore, it has been classified as a Variant of Uncertain Significance. Advanced modeling of protein sequence and biophysical properties (such as structural, functional, and spatial information, amino acid conservation, physicochemical variation, residue mobility, and thermodynamic stability) performed at Invitae indicates that this missense variant is not expected to disrupt SKI protein function. This variant has not been reported in the literature in individuals affected with SKI-related conditions. This variant is not present in population databases (ExAC no frequency). This sequence change replaces cysteine with serine at codon 449 of the SKI protein (p.Cys449Ser). The cysteine residue is weakly conserved and there is a moderate physicochemical difference between cysteine and serine.

NM_003036.4(SKI):c.1346G>C (p.Cys449Ser)

Gene: SKI (SKI proto-oncogene; plus strand). Cytogenetic location: 1p36.32.
Variant type: single nucleotide variant.
Coding change: c.1346G>C on transcript NM_003036.4 (MANE Select); coding-DNA position 1346, G replaced by C.
Protein change: p.Cys449Ser; replaces cysteine 449 with serine.
Molecular consequence: missense variant.
Genome position (GRCh38, 1-based): chr1:2,303,974, G>C. VCF-style: chr1-2303974-G-C. GRCh37 (hg19) VCF-style: chr1-2235413-G-C.
Other names: short protein forms C449S.
Identifiers: ClinVar variation 1462168 (VCV001462168.6), dbSNP rs2100918643, ClinGen allele CA337955354.
Genomic context (GRCh38, chr1:2,303,974, plus strand): 5'-TTGTGAGCAGCCCTCCGTGTGCCGCCGCCGTCTCCCGGGCCCCCGAGCCTCTCGCCACTT[G>C]CACCCAGCCTCGGAAGCGGAAGCTGACTGTGGACACCCCAGGAGCCCCAGAGACGCTGGC-3'
Protein context (NP_003027.1, residues 439-459): VSRAPEPLAT[Cys449Ser]TQPRKRKLTV